The following is an entry in ClinVar:

NM_052874.5(STX1B):c.491T>C (p.Leu164Pro)

Gene: STX1B (syntaxin 1B; minus strand). Cytogenetic location: 16p11.2.
Variant type: single nucleotide variant.
Coding change: c.491T>C on transcript NM_052874.5 (MANE Select); coding-DNA position 491, T replaced by C.
Protein change: p.Leu164Pro; replaces leucine 164 with proline.
Molecular consequence: missense variant.
Genome position (GRCh38, 1-based): chr16:30,996,729, A>G on the plus strand (T>C on the coding strand, the complement: STX1B is on the minus strand). VCF-style: chr16-30996729-A-G. GRCh37 (hg19) VCF-style: chr16-31008050-A-G.
Other names: short protein forms L164P.
Identifiers: ClinVar variation 2131673 (VCV002131673.4), dbSNP rs2543959200, ClinGen allele CA395648746.

ClinVar aggregate classification (germline): Uncertain significance (1 of 4 stars; one submission).

Conditions:
Generalized epilepsy with febrile seizures plus, type 9 (GEFSP9). Also called: GEFS+, TYPE 9. Identifiers: Orphanet 36387, MedGen C4015395, MONDO:0014517, OMIM 616172.

Submission:

Labcorp Genetics (formerly Invitae), Labcorp
Classification: Uncertain significance for Generalized epilepsy with febrile seizures plus, type 9. Last evaluated: 2023-12-11. Review status: criteria provided, single submitter. Criteria: Invitae Variant Classification Sherloc (09022015). Collection method: clinical testing. Allele origin: germline.
Comment: This sequence change replaces leucine, which is neutral and non-polar, with proline, which is neutral and non-polar, at codon 164 of the STX1B protein (p.Leu164Pro). This variant is not present in population databases (gnomAD no frequency). This variant has not been reported in the literature in individuals affected with STX1B-related conditions. ClinVar contains an entry for this variant (Variation ID: 2131673). Advanced modeling of protein sequence and biophysical properties (such as structural, functional, and spatial information, amino acid conservation, physicochemical variation, residue mobility, and thermodynamic stability) performed at Invitae indicates that this missense variant is expected to disrupt STX1B protein function with a positive predictive value of 80%. In summary, the available evidence is currently insufficient to determine the role of this variant in disease. Therefore, it has been classified as a Variant of Uncertain Significance.